The following is an entry in ClinVar:

NM_014991.6(WDFY3):c.8243C>G (p.Thr2748Arg)

Gene: WDFY3 (WD repeat and FYVE domain containing 3; minus strand). Cytogenetic location: 4q21.23.
Variant type: single nucleotide variant.
Coding change: c.8243C>G on transcript NM_014991.6 (MANE Select); coding-DNA position 8243, C replaced by G.
Protein change: p.Thr2748Arg; replaces threonine 2748 with arginine.
Molecular consequence: missense variant.
Genome position (GRCh38, 1-based): chr4:84,705,486, G>C on the plus strand (C>G on the coding strand, the complement: WDFY3 is on the minus strand). VCF-style: chr4-84705486-G-C. GRCh37 (hg19) VCF-style: chr4-85626639-G-C.
Other names: short protein forms T2748R.
Identifiers: ClinVar variation 3573586 (VCV003573586.1).

ClinVar aggregate classification (germline): Uncertain significance (1 of 4 stars; one submission).

Submission:

GeneDx
Classification: Uncertain significance. Last evaluated: 2024-07-15. Review status: criteria provided, single submitter. Criteria: GeneDx Variant Classification Process June 2021. Collection method: clinical testing. Allele origin: germline. Affected: yes.
Comment: Not observed at significant frequency in large population cohorts (gnomAD); In silico analysis supports that this missense variant has a deleterious effect on protein structure/function; Has not been previously published as pathogenic or benign to our knowledge